The following is an entry in ClinVar:

ClinVar aggregate classification (germline): Benign/Likely benign. Review status: criteria provided, multiple submitters, no conflicts (2 of 4 stars). 3 submissions from 3 submitters: Benign (1); Likely benign (2). Last evaluated 2026-01-19.

Allele frequency attached by ClinVar (database versions not stated): gnomAD 0.00010 and 0.00014; TOPMed 0.00015; gnomAD exomes 0.00017 and 0.00022; ExAC 0.00019; 1000 Genomes Project 30x 0.00031; ESP Exome Variant Server 0.00031; 1000 Genomes Project 0.00040.
gnomAD v4.1: 341 of 1,613,076 alleles (0.021%); highest among the groups gnomAD compares: East Asian, 0.27%; 2 homozygotes.

Submissions (3):

Labcorp Genetics (formerly Invitae), Labcorp
Classification: Likely benign. Last evaluated: 2026-01-19. Review status: criteria provided, single submitter. Criteria: Invitae Variant Classification Sherloc (09022015). Collection method: clinical testing. Allele origin: germline.

Blueprint Genetics
Classification: Likely benign. Last evaluated: 2024-10-03. Review status: criteria provided, single submitter. Criteria: ACMG Guidelines, 2015. Collection method: clinical testing. Allele origin: germline.

GeneDx
Classification: Benign. Last evaluated: 2014-06-03. Review status: criteria provided, single submitter. Criteria: GeneDx Variant Classification (06012015). Collection method: clinical testing. Allele origin: germline. Affected: yes.
Comment: This variant is considered likely benign or benign based on one or more of the following criteria: it is a conservative change, it occurs at a poorly conserved position in the protein, it is predicted to be benign by multiple in silico algorithms, and/or has population frequency not consistent with disease.

NM_020117.11(LARS1):c.1860G>A (p.Glu620=)

Gene: LARS1 (leucyl-tRNA synthetase 1; minus strand). Cytogenetic location: 5q32.
Variant type: single nucleotide variant.
Coding change: c.1860G>A on transcript NM_020117.11 (MANE Select); coding-DNA position 1860, G replaced by A.
Protein change: p.Glu620=; no amino-acid change (glutamic acid 620 retained).
Molecular consequence: synonymous variant.
Genome position (GRCh38, 1-based): chr5:146,143,429, C>T on the plus strand (G>A on the coding strand, the complement: LARS1 is on the minus strand). VCF-style: chr5-146143429-C-T. GRCh37 (hg19) VCF-style: chr5-145522992-C-T.
Other names: p.E620E:GAG>GAA; c.1722G>A, p.Glu574= (NM_001317964.2); c.1698G>A, p.Glu566= (NM_001317965.2); c.1779G>A, p.Glu593= (NM_016460.4).
Identifiers: ClinVar variation 138086 (VCV000138086.10), dbSNP rs146906828, ClinGen allele CA291884.